The following is an entry in ClinVar:

ClinVar aggregate classification (germline): Uncertain significance (1 of 4 stars; one submission).

Submission:

Labcorp Genetics (formerly Invitae), Labcorp
Classification: Uncertain significance. Last evaluated: 2024-06-05. Review status: criteria provided, single submitter. Criteria: Invitae Variant Classification Sherloc (09022015). Collection method: clinical testing. Allele origin: germline.
Comment: This sequence change replaces lysine, which is basic and polar, with asparagine, which is neutral and polar, at codon 223 of the NAA15 protein (p.Lys223Asn). This variant is not present in population databases (gnomAD no frequency). This variant has not been reported in the literature in individuals affected with NAA15-related conditions. An algorithm developed to predict the effect of missense changes on protein structure and function (PolyPhen-2) suggests that this variant is likely to be tolerated. In summary, the available evidence is currently insufficient to determine the role of this variant in disease. Therefore, it has been classified as a Variant of Uncertain Significance.

NM_057175.5(NAA15):c.669A>C (p.Lys223Asn)

Gene: NAA15 (N-alpha-acetyltransferase 15, NatA auxiliary subunit; plus strand). Cytogenetic location: 4q31.1.
Variant type: single nucleotide variant.
Coding change: c.669A>C on transcript NM_057175.5 (MANE Select); coding-DNA position 669, A replaced by C.
Protein change: p.Lys223Asn; replaces lysine 223 with asparagine.
Molecular consequence: missense variant.
Genome position (GRCh38, 1-based): chr4:139,344,317, A>C. VCF-style: chr4-139344317-A-C. GRCh37 (hg19) VCF-style: chr4-140265471-A-C.
Other names: c.669A>C, p.Lys223Asn (NM_001410842.1); short protein forms K223N.
Identifiers: ClinVar variation 3679752 (VCV003679752.2).